The following is an entry in ClinVar:

NM_001875.5(CPS1):c.2162G>A (p.Arg721Gln)

Gene: CPS1 (carbamoyl-phosphate synthase 1; plus strand). Cytogenetic location: 2q34.
Variant type: single nucleotide variant.
Coding change: c.2162G>A on transcript NM_001875.5 (MANE Select); coding-DNA position 2162, G replaced by A.
Protein change: p.Arg721Gln; replaces arginine 721 with glutamine.
Molecular consequence: missense variant. On other transcripts: non-coding transcript variant (2).
Genome position (GRCh38, 1-based): chr2:210,606,911, G>A. VCF-style: chr2-210606911-G-A. GRCh37 (hg19) VCF-style: chr2-211471635-G-A.
Other names: c.2162G>A, p.Arg721Gln (NM_001122633.3, NM_001369257.1); c.2195G>A, p.Arg732Gln (NM_001369256.1); short protein forms R721Q, R732Q.
Identifiers: ClinVar variation 2501128 (VCV002501128.5), dbSNP rs752339705, ClinGen allele CA2086559.
Genomic context (GRCh38, chr2:210,606,911, plus strand): 5'-TTGCCCTTCATCCTACCTCAATGGAATACTGCATCATTGAAGTGAATGCCAGACTGTCCC[G>A]AAGCTCTGCTCTGGCCTCAAAAGCCACTGGGTAAGACCAGAATAATTGACCATGGGTTTG-3'
Protein context (NP_001866.2, residues 711-731): CIIEVNARLS[Arg721Gln]SSALASKATG

ClinVar aggregate classification (germline): Conflicting classifications of pathogenicity. Review status: criteria provided, conflicting classifications (1 of 4 stars). 4 submissions from 4 submitters: Likely pathogenic (2); Uncertain significance (2). Last evaluated 2026-05-19.

Conditions:
Pulmonary hypertension, neonatal, susceptibility to (PHN). Identifiers: MedGen C3714958, MONDO:0014151, OMIM 615371.
Congenital hyperammonemia, type I. Also called: Carbamoyl phosphate synthetase 1 deficiency; Hyperammonemia due to carbamoyl phosphate synthetase 1 deficiency; CPS 1 deficiency; Carbamyl phosphate synthetase (CPS) deficiency; CPS I DEFICIENCY; Carbamoyl-phosphate synthase I deficiency. Identifiers: Orphanet 147, MedGen C4082171, MONDO:0009376, OMIM 237300.

Allele frequency attached by ClinVar (database versions not stated): TOPMed below 0.00001; gnomAD exomes 0.00001; ExAC 0.00002.
gnomAD v4.1: 15 of 1,612,336 alleles (0.00093%); highest among the groups gnomAD compares: Admixed American, 0.0033%; no homozygotes.

Submissions (4):

Myriad Genetics, Inc.
Classification: Uncertain significance for Congenital hyperammonemia, type I. Last evaluated: 2026-05-19. Review status: criteria provided, single submitter. Criteria: Myriad Autosomal Dominant, Autosomal Recessive and X-Linked Classification Criteria (2023). Collection method: clinical testing. Allele origin: unknown.
Comment: NM_001875.4(CPS1):c.2162G>A(R721Q) is a missense variant classified as a variant of uncertain significance in the context of carbamoylphosphate synthetase I deficiency. R721Q has been observed in cases with relevant disease (PMID: 32934962, 33309754). Relevant functional assessments of this variant are not available in the literature. R721Q has been observed in referenced population frequency databases. In summary, there is insufficient evidence to classify NM_001875.4(CPS1):c.2162G>A(R721Q) as pathogenic or benign. Please note: this variant was assessed in the context of healthy population screening.

Natera, Inc.
Classification: Likely pathogenic for Carbamoyl-phosphate synthase I deficiency. Last evaluated: 2025-10-08. Review status: criteria provided, single submitter. Criteria: Natera Variant Classification Schema (03/2026). Collection method: clinical testing. Allele origin: germline.
Comment: The c.2162G>A variant in CPS1 is a missense variant predicted to cause substitution of arginine to glutamine at amino acid 721. This variant is rare in the general population with a frequency below the threshold expected for the associated phenotype(s). This variant has been observed in one or more individuals affected with the associated recessive disease, as either homozygous or compound heterozygous with a second variant (PMID: 22575620). This variant has been identified in one or more affected individual with a phenotype highly consistent with the associated gene (PMID: 22575620). Computational prediction algorithms indicate this variant is likely to affect gene or protein function. Given the available evidence, this variant is classified as Likely Pathogenic.

Baylor Genetics
Classification: Likely pathogenic for Pulmonary hypertension, neonatal, susceptibility to. Last evaluated: 2024-03-11. Review status: criteria provided, single submitter. Criteria: ACMG Guidelines, 2015. Collection method: clinical testing. Allele origin: unknown.

Women's Health and Genetics/Laboratory Corporation of America, LabCorp
Classification: Uncertain significance. Last evaluated: 2023-03-23. Review status: criteria provided, single submitter. Criteria: LabCorp Variant Classification Summary - May 2015. Collection method: clinical testing. Allele origin: germline.
Comment: Variant summary: CPS1 c.2162G>A (p.Arg721Gln) results in a conservative amino acid change located in the carbamoyl-phosphate synthetase large subunit-like, ATP-binding domain (IPR005479) of the encoded protein sequence. Four of five in-silico tools predict a damaging effect of the variant on protein function. The variant allele was found at a frequency of 1.6e-05 in 250238 control chromosomes (gnomAD). c.2162G>A has been reported in the literature in the compound heterozygous state in at least three individuals affected with Carbamoylphosphate Synthetase I Deficiency (e.g. Hablerle_2011, Kretz_2012, Zhu_2020, Zhou_2020, Makris_2021). These data indicate that the variant may be associated with disease. To our knowledge, no experimental evidence demonstrating an impact on protein function has been reported. No clinical diagnostic laboratories have submitted clinical-significance assessments for this variant to ClinVar after 2014. Based on the evidence outlined above, the variant was classified as VUS-possibly pathogenic.

Literature cited by the submitters: PubMed 32934962 (cited by Myriad Genetics, Inc. and Women's Health and Genetics/Laboratory Corporation of America, LabCorp); PubMed 33309754 (cited by Myriad Genetics, Inc. and Women's Health and Genetics/Laboratory Corporation of America, LabCorp); PubMed 22575620 (cited by Natera, Inc. and Women's Health and Genetics/Laboratory Corporation of America, LabCorp); PubMed 21120950 (cited by Women's Health and Genetics/Laboratory Corporation of America, LabCorp); PubMed 33240318 (cited by Women's Health and Genetics/Laboratory Corporation of America, LabCorp).